The following is an entry in ClinVar:

NM_000214.3(JAG1):c.2791A>C (p.Thr931Pro)

Gene: JAG1 (jagged canonical Notch ligand 1; minus strand). Cytogenetic location: 20p12.2.
Variant type: single nucleotide variant.
Coding change: c.2791A>C on transcript NM_000214.3 (MANE Select); coding-DNA position 2791, A replaced by C.
Protein change: p.Thr931Pro; replaces threonine 931 with proline.
Molecular consequence: missense variant.
Genome position (GRCh38, 1-based): chr20:10,641,585, T>G on the plus strand (A>C on the coding strand, the complement: JAG1 is on the minus strand). VCF-style: chr20-10641585-T-G. GRCh37 (hg19) VCF-style: chr20-10622233-T-G.
Other names: short protein forms T931P.
Identifiers: ClinVar variation 1001720 (VCV001001720.8), dbSNP rs2067272394, ClinGen allele CA408244961.
Genomic context (GRCh38, chr20:10,641,585, plus strand): 5'-CAGAGGTGCACTTTGTCTTCACCGGCTGGAGACTGGAAGACCGACACTCGCCCACACCAG[T>G]GCAGGGGTGGACGAAGCACTGGTCGTCCAGGATGGGGATGCAGCTCTGCCCGCTGGGGCA-3'
Protein context (NP_000205.1, residues 921-941): LDDQCFVHPC[Thr931Pro]GVGECRSSSL

ClinVar aggregate classification (germline): Uncertain significance (1 of 4 stars; one submission).

Conditions:
Alagille syndrome due to a JAG1 point mutation. Also called: HEPATIC DUCTULAR HYPOPLASIA, SYNDROMATIC; Alagille Syndrome 1; JAG1-Related Alagille Syndrome. Identifiers: Orphanet 261619, Orphanet 52, MedGen C1956125, MONDO:0016862, OMIM 118450.

Submission:

Labcorp Genetics (formerly Invitae), Labcorp
Classification: Uncertain significance for Alagille syndrome due to a JAG1 point mutation. Last evaluated: 2020-09-17. Review status: criteria provided, single submitter. Criteria: Invitae Variant Classification Sherloc (09022015). Collection method: clinical testing. Allele origin: germline.
Comment: This sequence change replaces threonine with proline at codon 931 of the JAG1 protein (p.Thr931Pro). The threonine residue is highly conserved and there is a small physicochemical difference between threonine and proline. This variant is not present in population databases (ExAC no frequency). This variant has not been reported in the literature in individuals with JAG1-related conditions. Advanced modeling of protein sequence and biophysical properties (such as structural, functional, and spatial information, amino acid conservation, physicochemical variation, residue mobility, and thermodynamic stability) performed at Invitae indicates that this missense variant is not expected to disrupt JAG1 protein function. In summary, the available evidence is currently insufficient to determine the role of this variant in disease. Therefore, it has been classified as a Variant of Uncertain Significance.